The following is an entry in ClinVar:

NM_012254.3(SLC27A5):c.1235G>A (p.Arg412Gln)

Gene: SLC27A5 (solute carrier family 27 member 5; minus strand). Cytogenetic location: 19q13.43.
Variant type: single nucleotide variant.
Coding change: c.1235G>A on transcript NM_012254.3 (MANE Select); coding-DNA position 1235, G replaced by A.
Protein change: p.Arg412Gln; replaces arginine 412 with glutamine.
Molecular consequence: missense variant.
Genome position (GRCh38, 1-based): chr19:58,500,654, C>T on the plus strand (G>A on the coding strand, the complement: SLC27A5 is on the minus strand). VCF-style: chr19-58500654-C-T. GRCh37 (hg19) VCF-style: chr19-59012021-C-T.
Other names: c.983G>A, p.Arg328Gln (NM_001321196.2); short protein forms R328Q, R412Q.
Identifiers: ClinVar variation 4989603 (VCV004989603.1).

ClinVar aggregate classification (germline): Uncertain significance (1 of 4 stars; one submission).

Conditions:
SLC27A5-related disorder. Also called: SLC27A5-related condition.

gnomAD v4.1: 38 of 1,614,152 alleles (0.0024%); highest among the groups gnomAD compares: Middle Eastern, 0.016%; no homozygotes.

Submission:

PreventionGenetics, part of Exact Sciences
Classification: Uncertain significance for SLC27A5-related condition. Last evaluated: 2025-04-24. Review status: criteria provided, single submitter. Criteria: ACMG Guidelines, 2015. Collection method: clinical testing. Allele origin: germline.
Comment: The SLC27A5 c.1235G>A variant is predicted to result in the amino acid substitution p.Arg412Gln. To our knowledge, this variant has not been reported in the literature. This variant is reported in 0.0046% of alleles in individuals of European (Finnish) descent in gnomAD. At this time, the clinical significance of this variant is uncertain due to the absence of conclusive functional and genetic evidence.